The following is an entry in ClinVar:

ClinVar aggregate classification (germline): Uncertain significance (1 of 4 stars; one submission).

Allele frequency attached by ClinVar (database versions not stated): gnomAD exomes below 0.00001.
gnomAD v4.1: 1 of 1,611,972 alleles (0.000062%); highest among the groups gnomAD compares: Non-Finnish European, 0.000085%; no homozygotes.

Submission:

Labcorp Genetics (formerly Invitae), Labcorp
Classification: Uncertain significance. Last evaluated: 2022-05-13. Review status: criteria provided, single submitter. Criteria: Invitae Variant Classification Sherloc (09022015). Collection method: clinical testing. Allele origin: germline.
Comment: In summary, the available evidence is currently insufficient to determine the role of this variant in disease. Therefore, it has been classified as a Variant of Uncertain Significance. Algorithms developed to predict the effect of missense changes on protein structure and function are either unavailable or do not agree on the potential impact of this missense change (SIFT: "Deleterious"; PolyPhen-2: "Probably Damaging"; Align-GVGD: "Class C0"). This variant has not been reported in the literature in individuals affected with A2ML1-related conditions. This variant is not present in population databases (gnomAD no frequency). This sequence change replaces glycine, which is neutral and non-polar, with cysteine, which is neutral and slightly polar, at codon 954 of the A2ML1 protein (p.Gly954Cys).

NM_144670.6(A2ML1):c.2860G>T (p.Gly954Cys)

Gene: A2ML1 (alpha-2-macroglobulin like 1; plus strand). Cytogenetic location: 12p13.31.
Variant type: single nucleotide variant.
Coding change: c.2860G>T on transcript NM_144670.6 (MANE Select); coding-DNA position 2860, G replaced by T.
Protein change: p.Gly954Cys; replaces glycine 954 with cysteine.
Molecular consequence: missense variant.
Genome position (GRCh38, 1-based): chr12:8,857,175, G>T. VCF-style: chr12-8857175-G-T. GRCh37 (hg19) VCF-style: chr12-9009771-G-T.
Other names: c.1387G>T, p.Gly463Cys (NM_001282424.3); short protein forms G463C, G954C.
Identifiers: ClinVar variation 1993915 (VCV001993915.4), dbSNP rs2539274365, ClinGen allele CA383836089.